The following is an entry in ClinVar:

ClinVar aggregate classification (germline): Pathogenic/Likely pathogenic. Review status: criteria provided, multiple submitters, no conflicts (2 of 4 stars). 3 submissions from 3 submitters: Pathogenic (1); Likely pathogenic (1). 1 of the submissions does not count toward it. Last evaluated 2024-09-29.

Conditions:
Oculodentodigital dysplasia (ODDD). Also called: ODD SYNDROME; Oculodentodigital syndrome. Identifiers: Orphanet 2710, MedGen C0812437, MONDO:0008111, OMIM 164200.
Oculodentodigital dysplasia, autosomal recessive. Also called: OCULODENTOOSSEOUS DYSPLASIA, AUTOSOMAL RECESSIVE; ODDD, AUTOSOMAL RECESSIVE; ODOD, AUTOSOMAL RECESSIVE. Identifiers: Orphanet 2710, MedGen C2749477, MONDO:0009768, OMIM 257850.

Submissions (3):

3billion
Classification: Likely pathogenic for Oculodentodigital dysplasia. Last evaluated: 2024-09-29. Review status: criteria provided, single submitter. Criteria: ACMG Guidelines, 2015. Collection method: clinical testing. Allele origin: germline. Affected: yes.
Comment: The variant is not observed in the gnomAD v4.1.0 dataset. Predicted Consequence/Location: Missense variant. Missense changes are a common disease-causing mechanism. In silico tool predictions suggest damaging effect of the variant on gene or gene product [REVEL: 0.99 (>=0.6, sensitivity 0.68 and specificity 0.92); 3Cnet: 0.97 (>=0.6, sensitivity 0.72 and precision 0.9)]. The same nucleotide change resulting in the same amino acid change has been previously reported to be associated with GJA1-related disorder (ClinVar ID: VCV000016985 /PMID: 12457340).Different missense changes at the same codon (p.Gly22Arg, p.Gly22Trp) have been reported to be associated with GJA1-related disorder (ClinVar ID: VCV000844190 /PMID: 19338053, 34958143). Therefore, this variant is classified as Likely pathogenic according to the recommendation of ACMG/AMP guideline.

Labcorp Genetics (formerly Invitae), Labcorp
Classification: Pathogenic for Oculodentodigital dysplasia, autosomal recessive. Last evaluated: 2022-05-06. Review status: criteria provided, single submitter. Criteria: Invitae Variant Classification Sherloc (09022015). Collection method: clinical testing. Allele origin: germline.
Comment: This sequence change replaces glycine, which is neutral and non-polar, with glutamic acid, which is acidic and polar, at codon 22 of the GJA1 protein (p.Gly22Glu). This variant is not present in population databases (gnomAD no frequency). This missense change has been observed in individuals with oculodentodigital dysplasia (ODDD) (PMID: 19338053, 32318302). ClinVar contains an entry for this variant (Variation ID: 16985). Algorithms developed to predict the effect of missense changes on protein structure and function (SIFT, PolyPhen-2, Align-GVGD) all suggest that this variant is likely to be disruptive. This variant disrupts the p.Gly22 amino acid residue in GJA1. Other variant(s) that disrupt this residue have been determined to be pathogenic (PMID: 19338053; Invitae). This suggests that this residue is clinically significant, and that variants that disrupt this residue are likely to be disease-causing. For these reasons, this variant has been classified as Pathogenic.

OMIM
Classification: Pathogenic for OCULODENTODIGITAL DYSPLASIA. Last evaluated: 2003-02-01. Review status: no assertion criteria provided. Collection method: literature only. Allele origin: germline. Not counted in ClinVar's aggregate classification.

Literature cited by the submitters: PubMed 12457340 (cited by 3billion and OMIM); PubMed 19338053 (cited by 3billion and Labcorp Genetics (formerly Invitae), Labcorp); PubMed 32318302 (cited by Labcorp Genetics (formerly Invitae), Labcorp); PubMed 2309863 (cited by OMIM).

NM_000165.5(GJA1):c.65G>A (p.Gly22Glu)

Gene: GJA1 (gap junction protein alpha 1; plus strand). Cytogenetic location: 6q22.31.
Variant type: single nucleotide variant.
Coding change: c.65G>A on transcript NM_000165.5 (MANE Select); coding-DNA position 65, G replaced by A.
Protein change: p.Gly22Glu; replaces glycine 22 with glutamic acid.
Molecular consequence: missense variant.
Genome position (GRCh38, 1-based): chr6:121,446,912, G>A. VCF-style: chr6-121446912-G-A. GRCh37 (hg19) VCF-style: chr6-121768058-G-A.
Other names: short protein forms G22E.
Identifiers: ClinVar variation 16985 (VCV000016985.9), dbSNP rs104893964, ClinGen allele CA127013.